The following is an entry in ClinVar:

ClinVar aggregate classification (germline): Uncertain significance. Review status: criteria provided, multiple submitters, no conflicts (2 of 4 stars). 2 submissions from 2 submitters: Uncertain significance (2). Last evaluated 2025-03-17.

Conditions:
Malignant hyperthermia, susceptibility to, 5 (MHS5). Also called: CACNA1S-Related Malignant Hyperthermia Susceptibility. Identifiers: Orphanet 423, MedGen C1866077, MONDO:0011163, OMIM 601887.
Hypokalemic periodic paralysis, type 1. Also called: Hypokalemic Periodic Paralysis Type 1 (AD); HypoPP. Identifiers: Orphanet 681, MedGen C3714580, MONDO:0042979, OMIM 170400.

Submissions (2):

Labcorp Genetics (formerly Invitae), Labcorp
Classification: Uncertain significance for Hypokalemic periodic paralysis, type 1; Malignant hyperthermia, susceptibility to, 5. Last evaluated: 2025-03-17. Review status: criteria provided, single submitter. Criteria: Invitae Variant Classification Sherloc (09022015). Collection method: clinical testing. Allele origin: germline.
Comment: This sequence change replaces leucine, which is neutral and non-polar, with proline, which is neutral and non-polar, at codon 34 of the CACNA1S protein (p.Leu34Pro). This variant is not present in population databases (gnomAD no frequency). This variant has not been reported in the literature in individuals affected with CACNA1S-related conditions. ClinVar contains an entry for this variant (Variation ID: 3386416). Invitae Evidence Modeling of protein sequence and biophysical properties (such as structural, functional, and spatial information, amino acid conservation, physicochemical variation, residue mobility, and thermodynamic stability) has been performed for this missense variant. However, the output from this modeling did not meet the statistical confidence thresholds required to predict the impact of this variant on CACNA1S protein function. In summary, the available evidence is currently insufficient to determine the role of this variant in disease. Therefore, it has been classified as a Variant of Uncertain Significance.

All of Us Research Program, National Institutes of Health
Classification: Uncertain significance for Malignant hyperthermia, susceptibility to, 5. Last evaluated: 2024-04-16. Review status: criteria provided, single submitter. Criteria: ACMG Guidelines, 2015. Collection method: clinical testing. Allele origin: germline. Inheritance: Autosomal dominant inheritance. Observed: 1 variant allele, 1 heterozygote.
Comment: This missense variant replaces leucine with proline at codon 34 of the CACNA1S protein. Computational prediction suggests that this variant may have deleterious impact on protein structure and function (internally defined REVEL score threshold >= 0.7, PMID: 27666373). To our knowledge, functional studies have not been reported for this variant. This variant has not been reported in individuals affected with CACNA1S-related disorders in the literature. This variant has not been identified in the general population by the Genome Aggregation Database (gnomAD). The available evidence is insufficient to determine the role of this variant in disease conclusively. Therefore, this variant is classified as a Variant of Uncertain Significance.

This study involves interpretation of variants in research participants for the purpose of population health screening. Participant phenotype was not available at the time of variant classification. Additional details can be found in publication PMID: 35346344, PMCID: PMC8962531

NM_000069.3(CACNA1S):c.101T>C (p.Leu34Pro)

Gene: CACNA1S (calcium voltage-gated channel subunit alpha1 S; minus strand). Cytogenetic location: 1q32.1.
Variant type: single nucleotide variant.
Coding change: c.101T>C on transcript NM_000069.3 (MANE Select); coding-DNA position 101, T replaced by C.
Protein change: p.Leu34Pro; replaces leucine 34 with proline.
Molecular consequence: missense variant.
Genome position (GRCh38, 1-based): chr1:201,112,239, A>G on the plus strand (T>C on the coding strand, the complement: CACNA1S is on the minus strand). VCF-style: chr1-201112239-A-G. GRCh37 (hg19) VCF-style: chr1-201081367-A-G.
Other names: short protein forms L34P.
Identifiers: ClinVar variation 3386416 (VCV003386416.2).